The following is an entry in ClinVar:

ClinVar aggregate classification (germline): Uncertain significance (1 of 4 stars; one submission).

Conditions:
Retinitis pigmentosa 73 (RP73). Identifiers: Orphanet 791, MedGen C4225287, MONDO:0014687, OMIM 616544.
Mucopolysaccharidosis, MPS-III-C (MPS3C). Also called: MPS IIIC (Sanfilippo Syndrome Type C); MUCOPOLYSACCHARIDOSIS, TYPE IIIC; Mucopolysaccharidosis type IIIC (Sanfilippo C); SANFILIPPO SYNDROME C; MPS III C; mucopolysaccharidosis type 3C. Identifiers: Orphanet 581, Orphanet 79271, MedGen C0086649, MONDO:0009657, OMIM 252930.

Submission:

Labcorp Genetics (formerly Invitae), Labcorp
Classification: Uncertain significance for Retinitis pigmentosa 73; Mucopolysaccharidosis, MPS-III-C. Last evaluated: 2021-03-20. Review status: criteria provided, single submitter. Criteria: Invitae Variant Classification Sherloc (09022015). Collection method: clinical testing. Allele origin: germline.
Comment: In summary, the available evidence is currently insufficient to determine the role of this variant in disease. Therefore, it has been classified as a Variant of Uncertain Significance. Advanced modeling of protein sequence and biophysical properties (such as structural, functional, and spatial information, amino acid conservation, physicochemical variation, residue mobility, and thermodynamic stability) performed at Invitae indicates that this missense variant is expected to disrupt HGSNAT protein function. This variant has not been reported in the literature in individuals with HGSNAT-related conditions. This variant is not present in population databases (ExAC no frequency). This sequence change replaces proline with alanine at codon 413 of the HGSNAT protein (p.Pro413Ala). The proline residue is highly conserved and there is a small physicochemical difference between proline and alanine.

NM_152419.3(HGSNAT):c.1237C>G (p.Pro413Ala)

Gene: HGSNAT (heparan-alpha-glucosaminide N-acetyltransferase; plus strand). Cytogenetic location: 8p11.21.
Variant type: single nucleotide variant.
Coding change: c.1237C>G on transcript NM_152419.3 (MANE Select); coding-DNA position 1237, C replaced by G.
Protein change: p.Pro413Ala; replaces proline 413 with alanine.
Molecular consequence: missense variant.
Genome position (GRCh38, 1-based): chr8:43,191,582, C>G. VCF-style: chr8-43191582-C-G. GRCh37 (hg19) VCF-style: chr8-43046725-C-G.
Other names: c.1237C>G, p.Pro413Ala (NM_001363227.2); c.1045C>G, p.Pro349Ala (NM_001363228.2); c.373C>G, p.Pro125Ala (NM_001363229.2); short protein forms P125A, P413A, P349A.
Identifiers: ClinVar variation 1349872 (VCV001349872.8), dbSNP rs201346206, ClinGen allele CA371119359.